The following is an entry in ClinVar:

ClinVar aggregate classification (germline): Uncertain significance (1 of 4 stars; one submission).

Conditions:
Inborn genetic diseases. Identifiers: MedGen C0950123, MeSH D030342.

gnomAD v4.1: 18 of 1,355,328 alleles (0.0013%); highest among the groups gnomAD compares: African/African-American, 0.0015%; no homozygotes.

Submission:

Ambry Genetics
Classification: Uncertain significance for Inborn genetic diseases. Last evaluated: 2024-12-07. Review status: criteria provided, single submitter. Criteria: Ambry Variant Classification Scheme 2023. Collection method: clinical testing. Allele origin: germline.
Comment: The p.E57Q variant (also known as c.169G>C), located in coding exon 1 of the KDM1A gene, results from a G to C substitution at nucleotide position 169. The glutamic acid at codon 57 is replaced by glutamine, an amino acid with highly similar properties. This amino acid position is conserved. In addition, this alteration is predicted to be tolerated by in silico analysis. Based on the available evidence, the clinical significance of this variant remains unclear.

NM_001009999.3(KDM1A):c.169G>C (p.Glu57Gln)

Gene: KDM1A (lysine demethylase 1A; plus strand). Cytogenetic location: 1p36.12.
Variant type: single nucleotide variant.
Coding change: c.169G>C on transcript NM_001009999.3 (MANE Select); coding-DNA position 169, G replaced by C.
Protein change: p.Glu57Gln; replaces glutamic acid 57 with glutamine.
Molecular consequence: missense variant.
Genome position (GRCh38, 1-based): chr1:23,019,765, G>C. VCF-style: chr1-23019765-G-C. GRCh37 (hg19) VCF-style: chr1-23346258-G-C.
Other names: c.169G>C, p.Glu57Gln (NM_001363654.2, NM_001410762.1, NM_001410763.1 and 1 more transcripts); short protein forms E57Q.
Identifiers: ClinVar variation 3532976 (VCV003532976.1).